The following is an entry in ClinVar:

NM_000350.3(ABCA4):c.4484_4485del (p.Lys1495fs)

Gene: ABCA4 (ATP binding cassette subfamily A member 4; minus strand). Cytogenetic location: 1p22.1.
Variant type: Deletion.
Coding change: c.4484_4485del on transcript NM_000350.3 (MANE Select); coding-DNA positions 4484 to 4485, 2 bases deleted (AG; older notation c.4484_4485delAG).
Protein change: p.Lys1495fs; shifts the reading frame from lysine 1495.
Molecular consequence: frameshift variant.
Genome position (GRCh38, 1-based): chr1:94,029,499-94,029,500, CT deleted on the plus strand (AG on the coding strand, the reverse complement: ABCA4 is on the minus strand). VCF-style (leftmost placement, unchanged base first): chr1-94029498-GCT-G. GRCh37 (hg19) VCF-style: chr1-94495054-GCT-G.
Other names: c.4262_4263delAG, p.Lys1421Thrfs (NM_001425324.1); short protein forms K1495fs.
Identifiers: ClinVar variation 2749696 (VCV002749696.3), dbSNP rs2523722864, ClinGen allele CA2697552518.
Genomic context (GRCh38, chr1:94,029,498, plus strand): 5'-CAGGTACCTGGGGGGGCGGGAGGCCCCCGGCACCCTCGGGGCACTCTGGCAGCATGGTGA[GCT>G]TCTCCCTGGTGCTGCACCTGCAGGATGGTGAAGGGTTGACCTGTGTCCATTTCTGCTTCT-3'

ClinVar aggregate classification (germline): Pathogenic (1 of 4 stars; one submission).

Submission:

Labcorp Genetics (formerly Invitae), Labcorp
Classification: Pathogenic. Last evaluated: 2023-08-03. Review status: criteria provided, single submitter. Criteria: Invitae Variant Classification Sherloc (09022015). Collection method: clinical testing. Allele origin: germline.
Comment: This sequence change creates a premature translational stop signal (p.Lys1495Thrfs*59) in the ABCA4 gene. It is expected to result in an absent or disrupted protein product. Loss-of-function variants in ABCA4 are known to be pathogenic (PMID: 10958761, 24938718, 25312043, 26780318). This variant is not present in population databases (gnomAD no frequency). For these reasons, this variant has been classified as Pathogenic. This variant has not been reported in the literature in individuals affected with ABCA4-related conditions.

Literature cited by the submitters: PubMed 10958761; PubMed 24938718; PubMed 25312043; PubMed 26780318.